The following is an entry in ClinVar:

NM_002775.5(HTRA1):c.1108C>T (p.Arg370Ter)

Gene: HTRA1 (HtrA serine peptidase 1; plus strand). Cytogenetic location: 10q26.13.
Variant type: single nucleotide variant.
Coding change: c.1108C>T on transcript NM_002775.5 (MANE Select); coding-DNA position 1108, C replaced by T.
Protein change: p.Arg370Ter; replaces arginine 370 with a stop codon.
Molecular consequence: nonsense.
Genome position (GRCh38, 1-based): chr10:122,508,758, C>T. VCF-style: chr10-122508758-C-T. GRCh37 (hg19) VCF-style: chr10-124268274-C-T.
Other names: short protein forms R370*.
Identifiers: ClinVar variation 7487 (VCV000007487.15), dbSNP rs113993971, ClinGen allele CA340681.

ClinVar aggregate classification (germline): Pathogenic/Likely pathogenic. Review status: criteria provided, multiple submitters, no conflicts (2 of 4 stars). 7 submissions from 7 submitters: Pathogenic (3); Likely pathogenic (2). 2 of the submissions do not count toward it. Last evaluated 2026-04-03.

Conditions:
HTRA1-related disorders.
HTRA1-related cerebral small vessel disease. Also called: HTRA1 Cerebral Small Vessel Disease (HTRA1-CSVD). Identifiers: Orphanet 482072, MedGen C5680099, MONDO:0018831.
Cerebral arteriopathy, autosomal recessive, with subcortical infarcts and leukoencephalopathy 2. Also called: MAEDA SYNDROME; CEREBROVASCULAR DISEASE WITH THIN SKIN, ALOPECIA, AND DISC DISEASE; SUBCORTICAL VASCULAR ENCEPHALOPATHY, PROGRESSIVE; CARASIL syndrome; Cerebral autosomal recessive arteriopathy with subcortical infarcts and leukoencephalopathy. Identifiers: Orphanet 199354, MedGen C6022615, MONDO:0010829, OMIM 600142.

Allele frequency attached by ClinVar (database versions not stated): TOPMed 0.00001; gnomAD exomes 0.00002; ExAC 0.00001; gnomAD 0.00003.
gnomAD v4.1: 34 of 1,607,652 alleles (0.0021%); highest among the groups gnomAD compares: African/African-American, 0.004%; no homozygotes.

Submissions (7):

Women's Health and Genetics/Laboratory Corporation of America, LabCorp
Classification: Pathogenic for Cerebral arteriopathy, autosomal recessive, with subcortical infarcts and leukoencephalopathy 2. Last evaluated: 2026-04-03. Review status: criteria provided, single submitter. Criteria: LabCorp Variant Classification Summary - May 2015. Collection method: clinical testing. Allele origin: germline.
Comment: Variant summary: HTRA1 c.1108C>T (p.Arg370X) results in a premature termination codon, predicted to cause a truncation of the encoded protein or absence of the protein due to nonsense mediated decay, which are commonly known mechanisms for disease. The variant allele was found at a frequency of 1.6e-05 in 251392 control chromosomes. c.1108C>T has been observed in individuals affected with CARASIL syndrome (Hara_2009). These report(s) do not provide unequivocal conclusions about association of the variant with CARASIL syndrome. At least one publication reports experimental evidence evaluating an impact on protein function and shows that this variant results in nonsense-mediated decay and no protein production in fibroblasts derived from a homozygous individual (Hara_2009). ClinVar contains an entry for this variant (Variation ID: 7487). Based on the evidence outlined above, the variant was classified as pathogenic.

Blueprint Genetics
Classification: Pathogenic for HTRA1-related disorders. Last evaluated: 2024-08-21. Review status: criteria provided, single submitter. Criteria: ACMG Guidelines, 2015. Collection method: clinical testing. Allele origin: germline. Affected: yes. Observed: 1 variant allele.

Labcorp Genetics (formerly Invitae), Labcorp
Classification: Pathogenic. Last evaluated: 2024-01-13. Review status: criteria provided, single submitter. Criteria: Invitae Variant Classification Sherloc (09022015). Collection method: clinical testing. Allele origin: germline.
Comment: This sequence change creates a premature translational stop signal (p.Arg370*) in the HTRA1 gene. It is expected to result in an absent or disrupted protein product. Loss-of-function variants in HTRA1 are known to be pathogenic (PMID: 19387015, 29895533). This variant is present in population databases (rs113993971, gnomAD 0.006%). This premature translational stop signal has been observed in individual(s) with cerebral small vessel disease (PMID: 19387015, 30859180). ClinVar contains an entry for this variant (Variation ID: 7487). For these reasons, this variant has been classified as Pathogenic.

Revvity Omics, Revvity
Classification: Likely pathogenic. Last evaluated: 2022-01-14. Review status: criteria provided, single submitter. Criteria: ACMG Guidelines, 2015. Collection method: clinical testing. Allele origin: germline.

Illumina Laboratory Services, Illumina
Classification: Likely pathogenic for HTRA1-related cerebral small vessel disease. Last evaluated: 2018-10-10. Review status: criteria provided, single submitter. Criteria: ICSL Variant Classification Criteria 09 May 2019. Collection method: clinical testing. Allele origin: germline.
Comment: The HTRA1 c.1108C>T (p.Arg370Ter) variant is a stop-gained variant that is predicted to cause premature truncation of the protein. The p.Arg370Ter variant has been described in two studies, in which it is found in a homozygous state in two probands with cerebral autosomal recessive arteriopathy with subcortical infarcts and leukoencephalopathy (CARASIL) (Hara et al. 2009; Bayrakli et al. 2014). This variant has not been reported in association with macular degeneration. The p.Arg370Ter variant was absent from 125 healthy controls but is reported at a frequency of 0.00002 in the total population of the Genome Aggregation Database. Functional studies in E. coli cells, demonstrated that the p.Arg370Ter variant exhibited protease activity similar to wild type HTRA1 protein. However, cultured skin fibroblasts from a proband showed only six percent of the mRNA expressed by control fibroblasts and a complete absence of p.Arg370Ter protein in the culture medium. Leukocytes of heterozygous carriers expressed only wild type mRNA. Overall, TGF-Î² signaling was three times more in fibroblasts from the patient than in control fibroblasts (Hara et al. 2009). Based on the evidence and the potential impact of stop-gained variants, the p.Arg370Ter variant is classified as likely pathogenic for HTRA1-related disorders. This variant was observed by ICSL as part of a predisposition screen in an ostensibly healthy population.

OMIM
Classification: Pathogenic for CEREBRAL ARTERIOPATHY, AUTOSOMAL RECESSIVE, WITH SUBCORTICAL INFARCTS AND LEUKOENCEPHALOPATHY 2. Last evaluated: 2009-04-23. Review status: no assertion criteria provided. Collection method: literature only. Allele origin: germline. Not counted in ClinVar's aggregate classification.

GeneReviews
No classification provided. Condition: Cerebral arteriopathy, autosomal recessive, with subcortical infarcts and leukoencephalopathy 2. Review status: no classification provided. Collection method: literature only. Allele origin: germline. Affected: yes. Not counted in ClinVar's aggregate classification.

Literature cited by the submitters: PubMed 19387015 (cited by 5 submitters); PubMed 29895533 (cited by Labcorp Genetics (formerly Invitae), Labcorp); PubMed 30859180 (cited by Labcorp Genetics (formerly Invitae), Labcorp); PubMed 24535794 (cited by Illumina Laboratory Services, Illumina and GeneReviews); NCBI Bookshelf NBK32533 (cited by GeneReviews).